The following is an entry in ClinVar:

ClinVar aggregate classification (germline): Uncertain significance (1 of 4 stars; one submission).

Conditions:
Hereditary cancer-predisposing syndrome. Also called: Hereditary Cancer Syndrome; Hereditary neoplastic syndrome; Neoplastic Syndromes, Hereditary; Tumor predisposition. Identifiers: Orphanet 140162, MedGen C0027672, MeSH D009386, MONDO:0015356.

Submission:

Ambry Genetics
Classification: Uncertain significance for Hereditary cancer-predisposing syndrome. Last evaluated: 2025-06-08. Review status: criteria provided, single submitter. Criteria: Ambry Variant Classification Scheme 2023. Collection method: clinical testing. Allele origin: germline.
Comment: The p.E62A variant (also known as c.185A>C), located in coding exon 3 of the NBN gene, results from an A to C substitution at nucleotide position 185. The glutamic acid at codon 62 is replaced by alanine, an amino acid with dissimilar properties. This amino acid position is conserved. In addition, this alteration is predicted to be tolerated by in silico analysis. Based on the available evidence, the clinical significance of this variant remains unclear.

NM_002485.5(NBN):c.185A>C (p.Glu62Ala)

Gene: NBN (nibrin; minus strand). Cytogenetic location: 8q21.3.
Variant type: single nucleotide variant.
Coding change: c.185A>C on transcript NM_002485.5 (MANE Select); coding-DNA position 185, A replaced by C.
Protein change: p.Glu62Ala; replaces glutamic acid 62 with alanine.
Molecular consequence: missense variant. On other transcripts: 5 prime UTR variant (1).
Genome position (GRCh38, 1-based): chr8:89,981,510, T>G on the plus strand (A>C on the coding strand, the complement: NBN is on the minus strand). VCF-style: chr8-89981510-T-G. GRCh37 (hg19) VCF-style: chr8-90993738-T-G.
Other names: c.-62A>C (NM_001024688.3); short protein forms E62A.
Identifiers: ClinVar variation 3917604 (VCV003917604.1).